The following is an entry in ClinVar:

NM_000277.3(PAH):c.161T>C (p.Leu54Ser)

Gene: PAH (phenylalanine hydroxylase; minus strand). Cytogenetic location: 12q23.2.
Variant type: single nucleotide variant.
Coding change: c.161T>C on transcript NM_000277.3 (MANE Select); coding-DNA position 161, T replaced by C.
Protein change: p.Leu54Ser; replaces leucine 54 with serine.
Molecular consequence: missense variant.
Genome position (GRCh38, 1-based): chr12:102,912,798, A>G on the plus strand (T>C on the coding strand, the complement: PAH is on the minus strand). VCF-style: chr12-102912798-A-G. GRCh37 (hg19) VCF-style: chr12-103306576-A-G.
Other names: c.161T>C, p.Leu54Ser (NM_001354304.2); short protein forms L54S.
Identifiers: ClinVar variation 102602 (VCV000102602.4), dbSNP rs199475677, ClinGen allele CA229448.

ClinVar aggregate classification (germline): Likely pathogenic. Review status: reviewed by expert panel (3 of 4 stars). 4 submissions from 4 submitters: Likely pathogenic (1). 3 of the submissions do not count toward it. Last evaluated 2020-07-23.

Conditions:
Phenylketonuria (PKU). Also called: Phenylketonuria (PKU); FOLLING DISEASE; OLIGOPHRENIA PHENYLPYRUVICA; Phenylketonurias. Identifiers: Orphanet 716, MedGen C0031485, MONDO:0009861, OMIM 261600. Disease mechanism: loss of function.

Allele frequency attached by ClinVar (database versions not stated): gnomAD exomes below 0.00001; gnomAD 0.00001; TOPMed 0.00002.
gnomAD v4.1: 2 of 1,607,472 alleles (0.00012%); highest among the groups gnomAD compares: African/African-American, 0.0027%; no homozygotes.

Submissions (4):

ClinGen PAH Variant Curation Expert Panel
Classification: Likely pathogenic for Phenylketonuria. Last evaluated: 2020-07-23. Review status: reviewed by expert panel. Criteria: ClinGen PAH ACMG Specifications v1. Collection method: curation. Allele origin: germline. Inheritance: Autosomal recessive inheritance.
Comment: The c.161T>C (p.Leu54Ser) variant in PAH is a missense variant that is predicted to be deleterious in multiple lines of computational evidence. A defect in the synthesis or regeneration pathways of 6R-BH4 was ruled out by analyzing urinary pterin levels and measuring the dihydropteridine reductase activity (PMID: 27121329). This variant was detected in trans with pathogenic variant c.912+1G>A. It was found in extremely low frequency in gnomAD (MAF=0.00006). In summary, this variant meets criteria to be classified as likely pathogenic for PAH. PAH-specific ACMG/AMP criteria applied: PM2, PP4 moderate, PM3, and PP3.

Women's Health and Genetics/Laboratory Corporation of America, LabCorp
Classification: Uncertain significance. Last evaluated: 2024-04-19. Review status: criteria provided, single submitter. Criteria: LabCorp Variant Classification Summary - May 2015. Collection method: clinical testing. Allele origin: germline. Not counted in ClinVar's aggregate classification.
Comment: Variant summary: PAH c.161T>C (p.Leu54Ser) results in a non-conservative amino acid change located in the ACT domain (IPR002912) of the encoded protein sequence. Four of five in-silico tools predict a damaging effect of the variant on protein function. The variant allele was found at a frequency of 4e-06 in 251396 control chromosomes. c.161T>C has been reported in the literature as a biallelic compound heterozygous genotye in at-least one individual with moderate Phenylketonuria (PKU) who was also non-responsive on the BH4 loading test (examle, Aldamiz-Echevarria_2016, Hillert_2020). To our knowledge, no experimental evidence demonstrating an impact on protein function has been reported. The following publications have been ascertained in the context of this evaluation (PMID: 27121329, 32668217). ClinVar contains an entry for this variant (Variation ID: 102602) with the ClinGen PAH Variant Curation Expert Panel classification as Likely Pathogenic citing overlapping evidence utilized in the context of this evaluation. Based on the evidence outlined above, the variant was classified as VUS-possibly pathogenic.

Counsyl
Classification: Uncertain significance for Phenylketonuria. Last evaluated: 2017-11-14. Review status: no assertion criteria provided. Collection method: clinical testing. Allele origin: unknown. Not counted in ClinVar's aggregate classification.

DeBelle Laboratory for Biochemical Genetics, MUHC/MCH RESEARCH INSTITUTE
No classification provided. Review status: no classification provided. Collection method: not provided. Allele origin: not provided. Not counted in ClinVar's aggregate classification.

Literature cited by the submitters: PubMed 27121329 (cited by Women's Health and Genetics/Laboratory Corporation of America, LabCorp and Counsyl); PubMed 32668217 (cited by Women's Health and Genetics/Laboratory Corporation of America, LabCorp); PubMed 17924342 (cited by Counsyl).